The following is an entry in ClinVar:

NM_006946.4(SPTBN2):c.484-124G>A

Gene: SPTBN2 (spectrin beta, non-erythrocytic 2; minus strand). Cytogenetic location: 11q13.2.
Variant type: single nucleotide variant.
Coding change: c.484-124G>A on transcript NM_006946.4 (MANE Select); 124 bases into the intron before coding-DNA position 484, G replaced by A.
Molecular consequence: intron variant.
Genome position (GRCh38, 1-based): chr11:66,714,531, C>T on the plus strand (G>A on the coding strand, the complement: SPTBN2 is on the minus strand). VCF-style: chr11-66714531-C-T. GRCh37 (hg19) VCF-style: chr11-66482002-C-T.
Identifiers: ClinVar variation 1683819 (VCV001683819.2), dbSNP rs114691024, ClinGen allele CA224095810.
Genomic context (GRCh38, chr11:66,714,531, plus strand): 5'-CTCAGATAAATGGCAGGAAACTGCTCTTTAGACTGTGGTAATGGGGTGGACAGGCATAGC[C>T]TGAGGTCCTTTCAACCTAGGCCAGGGACCACAAAACACTGGGTGCAAGGGATTTGAGGCA-3'

ClinVar aggregate classification (germline): Likely benign (1 of 4 stars; one submission).

Allele frequency attached by ClinVar (database versions not stated): gnomAD 0.01088 and 0.01151; TOPMed 0.01206; 1000 Genomes Project 0.01478; 1000 Genomes Project 30x 0.01562.

Submission:

GeneDx
Classification: Likely benign. Last evaluated: 2021-05-24. Review status: criteria provided, single submitter. Criteria: GeneDx Variant Classification Process June 2021. Collection method: clinical testing. Allele origin: germline. Affected: yes.
Comment: See Variant Classification Assertion Criteria.